The following is an entry in ClinVar:

ClinVar aggregate classification (germline): Likely pathogenic (1 of 4 stars; one submission).

Conditions:
Capillary malformation-arteriovenous malformation 1 (CMAVM1). Identifiers: Orphanet 137667, Orphanet 693907, MedGen C4747394, MONDO:0020783, OMIM 608354.

Submission:

Division of Genetic & Genomic Pathology, Hong Kong Children's Hospital
Classification: Likely pathogenic for Capillary malformation-arteriovenous malformation 1. Last evaluated: 2024-09-11. Review status: criteria provided, single submitter. Criteria: ACMG Guidelines, 2015. Collection method: clinical testing. Allele origin: germline. Affected: yes.
Comment: The RASA1 c.2344+2T>G is a splicing variant in intron 17 of the RASA1 gene. It is predicted to abolish the canonical donor splice site and result in exon 17 skipping. Loss-of-function variants in RASA1 are known to be pathogenic (PMID: 24038909). This variant is absent in population controls (gnomAD v4.1.0). It has not been reported in human mutation databases (ClinVar and HGMD Professional v2024.2) and the literature. Two different splicing variants involved the same canonical donor site have been reported in patients with capillary malformation or arteriovenous malformation (PMID: 25040287, 29891884, 24038909). For these reasons, this variant is classified as likely pathogenic.

Literature cited by the submitters: PubMed 24038909; PubMed 25040287; PubMed 29891884.

NM_002890.3(RASA1):c.2344+2T>G

Genes: CCNH (cyclin H; minus strand), RASA1 (RAS p21 protein activator 1; plus strand). Cytogenetic location: 5q14.3.
Variant type: single nucleotide variant.
Coding change: c.2344+2T>G on transcript NM_002890.3 (MANE Select); the canonical splice donor site of the intron after coding-DNA position 2344, T replaced by G.
Molecular consequence: splice donor variant. On other transcripts: intron variant (1).
Genome position (GRCh38, 1-based): chr5:87,377,042, T>G. VCF-style: chr5-87377042-T-G. GRCh37 (hg19) VCF-style: chr5-86672859-T-G.
Other names: c.1813+2T>G (NM_022650.3); c.933+18002A>C (NM_001364075.2).
Identifiers: ClinVar variation 4849226 (VCV004849226.1).
Genomic context (GRCh38, chr5:87,377,042, plus strand): 5'-CGAAAAGCTTGAATCGTTGTTGTTATGCACACTAAATGACAGAGAAATAAGCATGGAAGG[T>G]ATGGTATGGCCATGTTAGTGTGATACAAGAAACTGGGTTTAGATTTTATATCAAGGATAT-3'